The following is an entry in ClinVar:

ClinVar aggregate classification (germline): Likely benign (1 of 4 stars; one submission).

Conditions:
ADCY3-related disorder. Also called: ADCY3-related condition.

gnomAD v4.1: 1 of 1,611,442 alleles (0.000062%); highest among the groups gnomAD compares: Non-Finnish European, 0.000085%; no homozygotes.

Submission:

PreventionGenetics, part of Exact Sciences
Classification: Likely benign for ADCY3-related condition. Last evaluated: 2024-10-08. Review status: criteria provided, single submitter. Criteria: ACMG Guidelines, 2015. Collection method: clinical testing. Allele origin: germline.
Comment: This variant is classified as likely benign based on ACMG/AMP sequence variant interpretation guidelines (Richards et al. 2015 PMID: 25741868, with internal and published modifications).

NM_004036.5(ADCY3):c.957-7C>T

Gene: ADCY3 (adenylate cyclase 3; minus strand). Cytogenetic location: 2p23.3.
Variant type: single nucleotide variant.
Coding change: c.957-7C>T on transcript NM_004036.5 (MANE Select); 7 bases into the intron before coding-DNA position 957, C replaced by T.
Molecular consequence: intron variant.
Genome position (GRCh38, 1-based): chr2:24,841,674, G>A on the plus strand (C>T on the coding strand, the complement: ADCY3 is on the minus strand). VCF-style: chr2-24841674-G-A. GRCh37 (hg19) VCF-style: chr2-25064543-G-A.
Other names: c.957-7C>T (NM_001377130.1, NM_001377129.1, NM_001320613.2 and 2 more transcripts); c.234-7C>T (NM_001377131.1).
Identifiers: ClinVar variation 4987263 (VCV004987263.1).